The following is an entry in ClinVar:

NM_000117.3(EMD):c.68_69delinsCT (p.His23Pro)

Gene: EMD (emerin; plus strand). Cytogenetic location: Xq28.
Variant type: Indel.
Coding change: c.68_69delinsCT on transcript NM_000117.3 (MANE Select); coding-DNA positions 68 to 69, AC replaced by CT.
Protein change: p.His23Pro; replaces histidine 23 with proline.
Molecular consequence: missense variant.
Genome position (GRCh38, 1-based): chrX:154,379,552-154,379,553, AC replaced by CT. VCF-style: chrX-154379552-AC-CT. GRCh37 (hg19) VCF-style: chrX-153607912-AC-CT.
Other names: short protein forms H23P.
Identifiers: ClinVar variation 834387 (VCV000834387.10), dbSNP rs2067873549, ClinGen allele CA916082511.

ClinVar aggregate classification (germline): Uncertain significance (1 of 4 stars; one submission).

Conditions:
X-linked Emery-Dreifuss muscular dystrophy. Also called: Muscular dystrophy, tardive Emery-Dreifuss type, with contractures. Identifiers: Orphanet 261, Orphanet 98863, MedGen C0751337, MONDO:0010680.

Submission:

Labcorp Genetics (formerly Invitae), Labcorp
Classification: Uncertain significance for X-linked Emery-Dreifuss muscular dystrophy. Last evaluated: 2022-08-22. Review status: criteria provided, single submitter. Criteria: Invitae Variant Classification Sherloc (09022015). Collection method: clinical testing. Allele origin: germline.
Comment: Information on the frequency of this variant in the gnomAD database is not available, as this variant may be reported differently in the database. In summary, the available evidence is currently insufficient to determine the role of this variant in disease. Therefore, it has been classified as a Variant of Uncertain Significance. Algorithms developed to predict the effect of missense changes on protein structure and function are either unavailable or do not agree on the potential impact of this missense change (SIFT: "Not Available"; PolyPhen-2: "Probably Damaging"; Align-GVGD: "Not Available"). ClinVar contains an entry for this variant (Variation ID: 834387). This variant has not been reported in the literature in individuals affected with EMD-related conditions. This sequence change replaces histidine, which is basic and polar, with proline, which is neutral and non-polar, at codon 23 of the EMD protein (p.His23Pro).